The following is an entry in ClinVar:

NM_004618.5(TOP3A):c.1315C>T (p.Arg439Cys)

Gene: TOP3A (DNA topoisomerase III alpha; minus strand). Cytogenetic location: 17p11.2.
Variant type: single nucleotide variant.
Coding change: c.1315C>T on transcript NM_004618.5 (MANE Select); coding-DNA position 1315, C replaced by T.
Protein change: p.Arg439Cys; replaces arginine 439 with cysteine.
Molecular consequence: missense variant.
Genome position (GRCh38, 1-based): chr17:18,290,994, G>A on the plus strand (C>T on the coding strand, the complement: TOP3A is on the minus strand). VCF-style: chr17-18290994-G-A. GRCh37 (hg19) VCF-style: chr17-18194308-G-A.
Other names: c.1030C>T, p.Arg344Cys (NM_001320759.2); short protein forms R344C, R439C.
Identifiers: ClinVar variation 1953158 (VCV001953158.5), dbSNP rs1238198584, ClinGen allele CA398631997.

ClinVar aggregate classification (germline): Uncertain significance (1 of 4 stars; one submission).

Allele frequency attached by ClinVar (database versions not stated): gnomAD exomes below 0.00001.
gnomAD v4.1: 6 of 1,614,060 alleles (0.00037%); highest among the groups gnomAD compares: East Asian, 0.0022%; no homozygotes.

Submission:

Labcorp Genetics (formerly Invitae), Labcorp
Classification: Uncertain significance. Last evaluated: 2022-10-01. Review status: criteria provided, single submitter. Criteria: Invitae Variant Classification Sherloc (09022015). Collection method: clinical testing. Allele origin: germline.
Comment: This sequence change replaces arginine, which is basic and polar, with cysteine, which is neutral and slightly polar, at codon 439 of the TOP3A protein (p.Arg439Cys). This variant is present in population databases (no rsID available, gnomAD 0.003%). This variant has not been reported in the literature in individuals affected with TOP3A-related conditions. Algorithms developed to predict the effect of missense changes on protein structure and function are either unavailable or do not agree on the potential impact of this missense change (SIFT: "Not Available"; PolyPhen-2: "Probably Damaging"; Align-GVGD: "Not Available"). Algorithms developed to predict the effect of sequence changes on RNA splicing suggest that this variant may create or strengthen a splice site. In summary, the available evidence is currently insufficient to determine the role of this variant in disease. Therefore, it has been classified as a Variant of Uncertain Significance.